The following is an entry in ClinVar:

NM_177438.3(DICER1):c.4709A>G (p.Tyr1570Cys)

Gene: DICER1 (dicer 1, ribonuclease III; minus strand). Cytogenetic location: 14q32.13.
Variant type: single nucleotide variant.
Coding change: c.4709A>G on transcript NM_177438.3 (MANE Select); coding-DNA position 4709, A replaced by G.
Protein change: p.Tyr1570Cys; replaces tyrosine 1570 with cysteine.
Molecular consequence: missense variant.
Genome position (GRCh38, 1-based): chr14:95,096,211, T>C on the plus strand (A>G on the coding strand, the complement: DICER1 is on the minus strand). VCF-style: chr14-95096211-T-C. GRCh37 (hg19) VCF-style: chr14-95562548-T-C.
Other names: c.4709A>G, p.Tyr1570Cys (NM_001195573.1, NM_001271282.3, NM_001291628.2 and 1 more transcripts); short protein forms Y1570C.
Identifiers: ClinVar variation 242117 (VCV000242117.17), dbSNP rs765396989, ClinGen allele CA7330813.

ClinVar aggregate classification (germline): Uncertain significance. Review status: criteria provided, multiple submitters, no conflicts (2 of 4 stars). 3 submissions from 3 submitters: Uncertain significance (3). Last evaluated 2025-12-10.

Conditions:
DICER1-related tumor predisposition. Also called: DICER1 syndrome; DICER1-related pleuropulmonary blastoma cancer predisposition syndrome. Identifiers: Orphanet 284343, MedGen C3839822, MONDO:0100216.
Hereditary cancer-predisposing syndrome. Also called: Neoplastic Syndromes, Hereditary; Tumor predisposition; Hereditary neoplastic syndrome; Hereditary Cancer Syndrome. Identifiers: Orphanet 140162, MedGen C0027672, MeSH D009386, MONDO:0015356.

Allele frequency attached by ClinVar (database versions not stated): TOPMed below 0.00001; ExAC 0.00002.
gnomAD v4.1: 7 of 1,614,222 alleles (0.00043%); highest among the groups gnomAD compares: Admixed American, 0.0017%; no homozygotes.

Submissions (3):

Labcorp Genetics (formerly Invitae), Labcorp
Classification: Uncertain significance for DICER1-related tumor predisposition. Last evaluated: 2025-12-10. Review status: criteria provided, single submitter. Criteria: Invitae Variant Classification Sherloc (09022015). Collection method: clinical testing. Allele origin: germline.
Comment: This sequence change replaces tyrosine, which is neutral and polar, with cysteine, which is neutral and slightly polar, at codon 1570 of the DICER1 protein (p.Tyr1570Cys). This variant is present in population databases (rs765396989, gnomAD 0.004%). This missense change has been observed in individual(s) with DICER1-related conditions (PMID: 33057194). ClinVar contains an entry for this variant (Variation ID: 242117). Invitae Evidence Modeling of protein sequence and biophysical properties (such as structural, functional, and spatial information, amino acid conservation, physicochemical variation, residue mobility, and thermodynamic stability) indicates that this missense variant is not expected to disrupt DICER1 protein function with a negative predictive value of 95%. In summary, the available evidence is currently insufficient to determine the role of this variant in disease. Therefore, it has been classified as a Variant of Uncertain Significance.

Hereditary Cancer Group, L’Institut d'Investigació Biomèdica de Bellvitge
Classification: Uncertain significance for Hereditary cancer-predisposing syndrome. Last evaluated: 2024-12-19. Review status: criteria provided, single submitter. Criteria: Hatton et al. (Hum Mutat. 2023). Collection method: clinical testing. Allele origin: germline. Inheritance: Autosomal dominant inheritance. Affected: yes.
Comment: PP3

Ambry Genetics
Classification: Uncertain significance for Hereditary cancer-predisposing syndrome. Last evaluated: 2024-10-29. Review status: criteria provided, single submitter. Criteria: Ambry Variant Classification Scheme 2023. Collection method: clinical testing. Allele origin: germline.
Comment: The p.Y1570C variant (also known as c.4709A>G), located in coding exon 22 of the DICER1 gene, results from an A to G substitution at nucleotide position 4709. The tyrosine at codon 1570 is replaced by cysteine, an amino acid with highly dissimilar properties. This amino acid position is highly conserved in available vertebrate species. In addition, this alteration is predicted to be deleterious by in silico analysis. Since supporting evidence is limited at this time, the clinical significance of this alteration remains unclear.

Literature cited by the submitters: PubMed 33057194 (cited by Labcorp Genetics (formerly Invitae), Labcorp).